The following is an entry in ClinVar:

NM_001371596.2(MFSD8):c.251G>A (p.Ser84Asn)

Gene: MFSD8 (major facilitator superfamily domain containing 8; minus strand). Cytogenetic location: 4q28.2.
Variant type: single nucleotide variant.
Coding change: c.251G>A on transcript NM_001371596.2 (MANE Select); coding-DNA position 251, G replaced by A.
Protein change: p.Ser84Asn; replaces serine 84 with asparagine.
Molecular consequence: missense variant.
Genome position (GRCh38, 1-based): chr4:127,943,940, C>T on the plus strand (G>A on the coding strand, the complement: MFSD8 is on the minus strand). VCF-style: chr4-127943940-C-T. GRCh37 (hg19) VCF-style: chr4-128865095-C-T.
Other names: c.251G>A, p.Ser84Asn (NM_001363520.3, NM_001363521.3, NM_001371591.2 and 5 more transcripts); c.116G>A, p.Ser39Asn (NM_001371590.2, NM_001371595.1, NM_001410765.1); short protein forms S84N, S39N.
Identifiers: ClinVar variation 2079772 (VCV002079772.2), dbSNP rs2546167358, ClinGen allele CA358177044.

ClinVar aggregate classification (germline): Uncertain significance (1 of 4 stars; one submission).

Conditions:
Neuronal ceroid lipofuscinosis 7 (CLN7). Also called: MFSD8-Related Neuronal Ceroid-Lipofuscinosis. Identifiers: Orphanet 168491, Orphanet 228366, MedGen C1838571, MONDO:0012588, OMIM 610951.

Submission:

Labcorp Genetics (formerly Invitae), Labcorp
Classification: Uncertain significance for Neuronal ceroid lipofuscinosis 7. Last evaluated: 2022-05-18. Review status: criteria provided, single submitter. Criteria: Invitae Variant Classification Sherloc (09022015). Collection method: clinical testing. Allele origin: germline.
Comment: This variant has not been reported in the literature in individuals affected with MFSD8-related conditions. Algorithms developed to predict the effect of missense changes on protein structure and function are either unavailable or do not agree on the potential impact of this missense change (SIFT: "Deleterious"; PolyPhen-2: "Probably Damaging"; Align-GVGD: "Class C0"). In summary, the available evidence is currently insufficient to determine the role of this variant in disease. Therefore, it has been classified as a Variant of Uncertain Significance. This variant is not present in population databases (gnomAD no frequency). This sequence change replaces serine, which is neutral and polar, with asparagine, which is neutral and polar, at codon 84 of the MFSD8 protein (p.Ser84Asn).